The following is an entry in ClinVar:

ClinVar aggregate classification (germline): Uncertain significance (1 of 4 stars; one submission).

Submission:

Labcorp Genetics (formerly Invitae), Labcorp
Classification: Uncertain significance. Last evaluated: 2024-03-04. Review status: criteria provided, single submitter. Criteria: Invitae Variant Classification Sherloc (09022015). Collection method: clinical testing. Allele origin: germline.
Comment: This sequence change replaces aspartic acid, which is acidic and polar, with valine, which is neutral and non-polar, at codon 60 of the SEC61A1 protein (p.Asp60Val). This variant is not present in population databases (gnomAD no frequency). This variant has not been reported in the literature in individuals affected with SEC61A1-related conditions. Advanced modeling of protein sequence and biophysical properties (such as structural, functional, and spatial information, amino acid conservation, physicochemical variation, residue mobility, and thermodynamic stability) performed at Invitae indicates that this missense variant is expected to disrupt SEC61A1 protein function with a positive predictive value of 80%. In summary, the available evidence is currently insufficient to determine the role of this variant in disease. Therefore, it has been classified as a Variant of Uncertain Significance.

NM_013336.4(SEC61A1):c.179A>T (p.Asp60Val)

Gene: SEC61A1 (SEC61 translocon subunit alpha 1; plus strand). Cytogenetic location: 3q21.3.
Variant type: single nucleotide variant.
Coding change: c.179A>T on transcript NM_013336.4 (MANE Select); coding-DNA position 179, A replaced by T.
Protein change: p.Asp60Val; replaces aspartic acid 60 with valine.
Molecular consequence: missense variant.
Genome position (GRCh38, 1-based): chr3:128,055,710, A>T. VCF-style: chr3-128055710-A-T. GRCh37 (hg19) VCF-style: chr3-127774553-A-T.
Other names: c.197A>T, p.Asp66Val (NM_001400328.1); c.20A>T, p.Asp7Val (NM_001400329.1); short protein forms D66V, D7V, D60V.
Identifiers: ClinVar variation 3630363 (VCV003630363.2).